The following is an entry in ClinVar:

ClinVar aggregate classification (germline): Uncertain significance. Review status: criteria provided, multiple submitters, no conflicts (2 of 4 stars). 2 submissions from 2 submitters: Uncertain significance (2). Last evaluated 2024-12-30.

Conditions:
Inborn genetic diseases. Identifiers: MedGen C0950123, MeSH D030342.
Generalized epilepsy-paroxysmal dyskinesia syndrome (PNKD3). Also called: Generalized epilepsy and paroxysmal dyskinesia; Paroxysmal nonkinesigenic dyskinesia, 3, with or without generalized epilepsy. Identifiers: Orphanet 79137, MedGen C5574945, MONDO:0012276, OMIM 609446.

Allele frequency attached by ClinVar (database versions not stated): ExAC 0.00001; gnomAD 0.00001; gnomAD exomes 0.00001.
gnomAD v4.1: 14 of 1,613,998 alleles (0.00087%); highest among the groups gnomAD compares: Admixed American, 0.0017%; no homozygotes.

Submissions (2):

Labcorp Genetics (formerly Invitae), Labcorp
Classification: Uncertain significance for Generalized epilepsy-paroxysmal dyskinesia syndrome. Last evaluated: 2024-12-30. Review status: criteria provided, single submitter. Criteria: Invitae Variant Classification Sherloc (09022015). Collection method: clinical testing. Allele origin: germline.
Comment: This sequence change replaces threonine, which is neutral and polar, with alanine, which is neutral and non-polar, at codon 878 of the KCNMA1 protein (p.Thr878Ala). This variant is present in population databases (rs201167566, gnomAD 0.003%). This variant has not been reported in the literature in individuals affected with KCNMA1-related conditions. ClinVar contains an entry for this variant (Variation ID: 998412). Invitae Evidence Modeling of protein sequence and biophysical properties (such as structural, functional, and spatial information, amino acid conservation, physicochemical variation, residue mobility, and thermodynamic stability) indicates that this missense variant is not expected to disrupt KCNMA1 protein function with a negative predictive value of 80%. In summary, the available evidence is currently insufficient to determine the role of this variant in disease. Therefore, it has been classified as a Variant of Uncertain Significance.

Ambry Genetics
Classification: Uncertain significance for Inborn genetic diseases. Last evaluated: 2024-03-30. Review status: criteria provided, single submitter. Criteria: Ambry Variant Classification Scheme 2023. Collection method: clinical testing. Allele origin: germline.

NM_001161352.2(KCNMA1):c.2806A>G (p.Thr936Ala)

Genes: KCNMA1 (potassium calcium-activated channel subfamily M alpha 1; minus strand), KCNMA1-AS1 (KCNMA1 antisense RNA 1; plus strand). Cytogenetic location: 10q22.3.
Variant type: single nucleotide variant.
Coding change: c.2806A>G on transcript NM_001161352.2 (MANE Select); coding-DNA position 2806, A replaced by G.
Protein change: p.Thr936Ala; replaces threonine 936 with alanine.
Molecular consequence: missense variant.
Genome position (GRCh38, 1-based): chr10:76,944,869, T>C on the plus strand (A>G on the coding strand, the complement: KCNMA1 is on the minus strand). VCF-style: chr10-76944869-T-C. GRCh37 (hg19) VCF-style: chr10-78704627-T-C.
Other names: c.2632A>G (NM_002247.3); c.2644A>G, p.Thr882Ala (NM_001014797.3, NM_001322835.2, NM_001322837.2); c.2755A>G, p.Thr919Ala (NM_001161353.2); c.2482A>G, p.Thr828Ala (NM_001271518.2); c.2641A>G, p.Thr881Ala (NM_001271519.2, NM_001322829.2, NM_001322836.2); c.2653A>G, p.Thr885Ala (NM_001322830.2); c.2632A>G, p.Thr878Ala (NM_001322832.2, NM_002247.4); c.2179A>G, p.Thr727Ala (NM_001322838.2); short protein forms T727A, T828A, T878A, T881A, T882A, T885A, T919A, T936A.
Identifiers: ClinVar variation 998412 (VCV000998412.10), dbSNP rs201167566, ClinGen allele CA5567987.